The following is an entry in ClinVar:

ClinVar aggregate classification (germline): Pathogenic. Review status: criteria provided, multiple submitters, no conflicts (2 of 4 stars). 2 submissions from 2 submitters: Pathogenic (2). Last evaluated 2025-06-24.

Conditions:
Autosomal recessive limb-girdle muscular dystrophy type R18 (LGMDR18). Also called: MUSCULAR DYSTROPHY, LIMB-GIRDLE, AUTOSOMAL RECESSIVE 18; Limb-girdle muscular dystrophy, type 2S; Autosomal recessive limb-girdle muscular dystrophy type 2S. Identifiers: Orphanet 369840, MedGen C4517996, MONDO:0014144, OMIM 615356.

Allele frequency attached by ClinVar (database versions not stated): gnomAD 0.00001; ExAC 0.00006; TOPMed 0.00001; gnomAD exomes 0.00002 and 0.00003.
gnomAD v4.1: 11 of 1,613,458 alleles (0.00068%); highest among the groups gnomAD compares: East Asian, 0.0022%; no homozygotes.

Submissions (2):

Labcorp Genetics (formerly Invitae), Labcorp
Classification: Pathogenic for Autosomal recessive limb-girdle muscular dystrophy type R18. Last evaluated: 2025-06-24. Review status: criteria provided, single submitter. Criteria: Invitae Variant Classification Sherloc (09022015). Collection method: clinical testing. Allele origin: germline.
Comment: This sequence change creates a premature translational stop signal (p.Gln803*) in the TRAPPC11 gene. It is expected to result in an absent or disrupted protein product. Loss-of-function variants in TRAPPC11 are known to be pathogenic (PMID: 23830518, 26322222). This variant is present in population databases (rs780139133, gnomAD 0.006%). This variant has not been reported in the literature in individuals affected with TRAPPC11-related conditions. ClinVar contains an entry for this variant (Variation ID: 373300). For these reasons, this variant has been classified as Pathogenic.

GeneDx
Classification: Pathogenic. Last evaluated: 2016-11-15. Review status: criteria provided, single submitter. Criteria: GeneDx Variant Classification (06012015). Collection method: clinical testing. Allele origin: germline. Affected: yes.
Comment: The Q803X variant in the TRAPPC11 gene has not been reported previously as a pathogenic variant nor as a benign variant, to our knowledge. This variant is predicted to cause loss of normal protein function either through protein truncation or nonsense-mediated mRNA decay. The Q803X variant was not observed in approximately 6,500 individuals of European and African American ancestry in the NHLBI Exome Sequencing Project, indicating it is not a common benign variant in these populations. We interpret Q803X as a pathogenic variant.

Literature cited by the submitters: PubMed 23830518 (cited by Labcorp Genetics (formerly Invitae), Labcorp); PubMed 26322222 (cited by Labcorp Genetics (formerly Invitae), Labcorp).

NM_021942.6(TRAPPC11):c.2407C>T (p.Gln803Ter)

Genes: TRAPPC11 (trafficking protein particle complex subunit 11; plus strand), LOC126807238 (BRD4-independent group 4 enhancer GRCh37_chr4:184614366-184615565; plus strand). Cytogenetic location: 4q35.1.
Variant type: single nucleotide variant.
Coding change: c.2407C>T on transcript NM_021942.6 (MANE Select); coding-DNA position 2407, C replaced by T.
Protein change: p.Gln803Ter; replaces glutamine 803 with a stop codon.
Molecular consequence: nonsense.
Genome position (GRCh38, 1-based): chr4:183,693,937, C>T. VCF-style: chr4-183693937-C-T. GRCh37 (hg19) VCF-style: chr4-184615090-C-T.
Other names: c.2407C>T, p.Gln803Ter (NM_199053.3); short protein forms Q803*.
Identifiers: ClinVar variation 373300 (VCV000373300.3), dbSNP rs780139133, ClinGen allele CA3152186.